The following is an entry in ClinVar:

NM_000268.4(NF2):c.1688A>G (p.Asn563Ser)

Gene: NF2 (NF2, moesin-ezrin-radixin like (MERLIN) tumor suppressor; plus strand). Cytogenetic location: 22q12.2.
Variant type: single nucleotide variant.
Coding change: c.1688A>G on transcript NM_000268.4 (MANE Select); coding-DNA position 1688, A replaced by G.
Protein change: p.Asn563Ser; replaces asparagine 563 with serine.
Molecular consequence: missense variant. On other transcripts: non-coding transcript variant (1), intron variant (1).
Genome position (GRCh38, 1-based): chr22:29,681,552, A>G. VCF-style: chr22-29681552-A-G. GRCh37 (hg19) VCF-style: chr22-30077541-A-G.
Other names: c.1688A>G, p.Asn563Ser (NM_016418.5, NM_181825.3, NM_181832.3); c.1562A>G, p.Asn521Ser (NM_181828.3); c.1565A>G, p.Asn522Ser (NM_181829.3); c.1439A>G, p.Asn480Ser (NM_181830.3, NM_181831.3); c.448-13200A>G (NM_181833.3); short protein forms N521S, N522S, N563S, N480S.
Identifiers: ClinVar variation 639272 (VCV000639272.19), dbSNP rs768303416, ClinGen allele CA323121011.
Genomic context (GRCh38, chr22:29,681,552, plus strand): 5'-AGACAGAAATCGAGGCCTTGAAACTGAAAGAGAGGGAGACAGCTCTGGATATTCTGCACA[A>G]TGAGAACTCCGACAGGGGTGGCAGCAGCAAGCACAATACCATTAAAAAGGTACCCAGGGT-3'
Protein context (NP_000259.1, residues 553-573): ERETALDILH[Asn563Ser]ENSDRGGSSK

ClinVar aggregate classification (germline): Conflicting classifications of pathogenicity. Review status: criteria provided, conflicting classifications (1 of 4 stars). 5 submissions from 5 submitters: Uncertain significance (4); Likely benign (1). Last evaluated 2025-09-27.

Conditions:
Hereditary cancer-predisposing syndrome. Also called: Neoplastic Syndromes, Hereditary; Hereditary Cancer Syndrome; Tumor predisposition; Hereditary neoplastic syndrome. Identifiers: Orphanet 140162, MedGen C0027672, MeSH D009386, MONDO:0015356.
Neurofibromatosis, type 2 (SWNV). Also called: BILATERAL ACOUSTIC NEUROFIBROMATOSIS; NF2-Related Schwannomatosis; SCHWANNOMATOSIS, VESTIBULAR. Identifiers: Orphanet 637, MedGen C0027832, MONDO:0007039, OMIM 101000. Disease mechanism: loss of function.

Allele frequency attached by ClinVar (database versions not stated): gnomAD 0.00001; gnomAD exomes 0.00002.
gnomAD v4.1: 17 of 1,614,080 alleles (0.0011%); highest among the groups gnomAD compares: Non-Finnish European, 0.0014%; no homozygotes.

Submissions (5):

Labcorp Genetics (formerly Invitae), Labcorp
Classification: Uncertain significance for Neurofibromatosis, type 2. Last evaluated: 2025-09-27. Review status: criteria provided, single submitter. Criteria: Invitae Variant Classification Sherloc (09022015). Collection method: clinical testing. Allele origin: germline.
Comment: This sequence change replaces asparagine, which is neutral and polar, with serine, which is neutral and polar, at codon 563 of the NF2 protein (p.Asn563Ser). This variant is not present in population databases (gnomAD no frequency). This variant has not been reported in the literature in individuals affected with NF2-related conditions. ClinVar contains an entry for this variant (Variation ID: 639272). Invitae Evidence Modeling of protein sequence and biophysical properties (such as structural, functional, and spatial information, amino acid conservation, physicochemical variation, residue mobility, and thermodynamic stability) indicates that this missense variant is not expected to disrupt NF2 protein function with a negative predictive value of 80%. In summary, the available evidence is currently insufficient to determine the role of this variant in disease. Therefore, it has been classified as a Variant of Uncertain Significance.

Color Diagnostics, LLC DBA Color Health
Classification: Likely benign for Neurofibromatosis, type 2. Last evaluated: 2025-07-05. Review status: criteria provided, single submitter. Criteria: ACMG Guidelines, 2015. Collection method: clinical testing. Allele origin: germline.

Ambry Genetics
Classification: Uncertain significance for Hereditary cancer-predisposing syndrome. Last evaluated: 2024-04-19. Review status: criteria provided, single submitter. Criteria: Ambry Variant Classification Scheme 2023. Collection method: clinical testing. Allele origin: germline.
Comment: The p.N563S variant (also known as c.1688A>G), located in coding exon 15 of the NF2 gene, results from an A to G substitution at nucleotide position 1688. The asparagine at codon 563 is replaced by serine, an amino acid with highly similar properties. This amino acid position is well conserved in available vertebrate species. In addition, this alteration is predicted to be tolerated by in silico analysis. Since supporting evidence is limited at this time, the clinical significance of this alteration remains unclear.

All of Us Research Program, National Institutes of Health
Classification: Uncertain significance for Neurofibromatosis, type 2. Last evaluated: 2023-06-08. Review status: criteria provided, single submitter. Criteria: ACMG Guidelines, 2015. Collection method: clinical testing. Allele origin: germline. Inheritance: Autosomal dominant inheritance. Observed: 1 variant allele, 1 heterozygote.
Comment: This missense variant replaces asparagine with serine at codon 563 of the NF2 protein. Computational prediction suggests that this variant may not impact protein structure and function (internally defined REVEL score threshold <= 0.5, PMID: 27666373). To our knowledge, functional studies have not been reported for this variant. This variant has not been reported in individuals affected with hereditary cancer in the literature. This variant has not been identified in the general population by the Genome Aggregation Database (gnomAD). The available evidence is insufficient to determine the role of this variant in disease conclusively. Therefore, this variant is classified as a Variant of Uncertain Significance.

This study involves interpretation of variants in research participants for the purpose of population health screening. Participant phenotype was not available at the time of variant classification. Additional details can be found in publication PMID: 35346344, PMCID: PMC8962531

Genome-Nilou Lab
Classification: Uncertain significance for Neurofibromatosis, type 2. Last evaluated: 2021-11-07. Review status: criteria provided, single submitter. Criteria: ACMG Guidelines, 2015. Collection method: clinical testing. Allele origin: germline. Affected: no.